The following is an entry in ClinVar:

NM_145167.3(PIGM):c.929_937del (p.Tyr310_Leu313delinsPhe)

Gene: PIGM (phosphatidylinositol glycan anchor biosynthesis class M; minus strand). Cytogenetic location: 1q23.2.
Variant type: Deletion.
Coding change: c.929_937del on transcript NM_145167.3 (MANE Select); coding-DNA positions 929 to 937, 9 bases deleted (ACAGAGACC; older notation c.929_937delACAGAGACC).
Protein change: p.Tyr310_Leu313delinsPhe.
Molecular consequence: inframe indel.
Genome position (GRCh38, 1-based): chr1:160,030,803-160,030,811, GGTCTCTGT deleted on the plus strand (ACAGAGACC on the coding strand, the reverse complement: PIGM is on the minus strand). VCF-style (leftmost placement, unchanged base first): chr1-160030802-AGGTCTCTGT-A. GRCh37 (hg19) VCF-style: chr1-160000592-AGGTCTCTGT-A.
Identifiers: ClinVar variation 1690632 (VCV001690632.2), dbSNP rs2101919624, ClinGen allele CA2573131128.
Genomic context (GRCh38, chr1:160,030,802, plus strand): 5'-GAGGTGCAGACTTTGTTAAAAGTCACAAAAATGGACGTATGAAGAAAACAACAAAAAACG[AGGTCTCTGT>A]AATAGGCGAAAGACACAGCTGAAAGCAAGATGAGCTGTGGCAGGAATGCAGCAATTCCCA-3'

ClinVar aggregate classification (germline): Uncertain significance (1 of 4 stars; one submission).

Submission:

Laboratorio de Genetica e Diagnostico Molecular, Hospital Israelita Albert Einstein
Classification: Uncertain significance. Last evaluated: 2021-05-10. Review status: criteria provided, single submitter. Criteria: ACMG Guidelines, 2015. Collection method: clinical testing. Allele origin: germline. Affected: yes.
Comment: ACMG classification criteria: PM2, PM4